The following is an entry in ClinVar:

NC_000016.9:g.(?_136684)_(169274_?)del

Gene: NPRL3 (NPR3 like, GATOR1 complex subunit; minus strand). Cytogenetic location: 16p13.3.
Variant type: Deletion.
Identifiers: ClinVar variation 1076141 (VCV001076141.6).

ClinVar aggregate classification (germline): Pathogenic (1 of 4 stars; one submission).

Conditions:
Epilepsy, familial focal, with variable foci 3 (FFEVF3). Identifiers: MedGen C4310708, MONDO:0014925, OMIM 617118.

Submission:

Labcorp Genetics (formerly Invitae), Labcorp
Classification: Pathogenic for Epilepsy, familial focal, with variable foci 3. Last evaluated: 2021-08-12. Review status: criteria provided, single submitter. Criteria: Invitae Variant Classification Sherloc (09022015). Collection method: clinical testing. Allele origin: germline.
Comment: This variant is a gross deletion of the genomic region encompassing exon(s) 4-14 of the NPRL3 gene, which includes the termination codon. This deletion extends beyond the assayed region for this gene and therefore may encompass additional genes. While this deletion is not anticipated to lead to nonsense mediated decay, it is expected to alter mRNA translation or result in a truncated protein product. This variant has not been reported in the literature in individuals affected with NPRL3-related conditions. This variant disrupts a region of the NPRL3 protein in which other variant(s) (p.Glu508Argfs*46) have been determined to be pathogenic (PMID: 26786403; Invitae). This suggests that this is a clinically significant region of the protein, and that variants that disrupt it are likely to be disease-causing. For these reasons, this variant has been classified as Pathogenic.

Literature cited by the submitters: PubMed 26786403.